The following is an entry in ClinVar:

ClinVar aggregate classification (germline): Uncertain significance (1 of 4 stars; one submission).

Submission:

CeGaT Center for Human Genetics Tuebingen
Classification: Uncertain significance. Last evaluated: 2026-02-01. Review status: criteria provided, single submitter. Criteria: CeGaT Center For Human Genetics Tuebingen Variant Classification Criteria Version 2. Collection method: clinical testing. Allele origin: germline. Affected: yes. Observed: 1 variant allele.
Comment: KCNC3: PP3

NM_004977.3(KCNC3):c.8G>T (p.Ser3Ile)

Genes: KCNC3 (potassium voltage-gated channel subfamily C member 3; minus strand), LOC111811967 (Sharpr-MPRA regulatory region 11330/13384; plus strand). Cytogenetic location: 19q13.33.
Variant type: single nucleotide variant.
Coding change: c.8G>T on transcript NM_004977.3 (MANE Select); coding-DNA position 8, G replaced by T.
Protein change: p.Ser3Ile; replaces serine 3 with isoleucine.
Molecular consequence: missense variant.
Genome position (GRCh38, 1-based): chr19:50,329,075, C>A on the plus strand (G>T on the coding strand, the complement: KCNC3 is on the minus strand). VCF-style: chr19-50329075-C-A. GRCh37 (hg19) VCF-style: chr19-50832332-C-A.
Other names: short protein forms S3I.
Identifiers: ClinVar variation 4822043 (VCV004822043.4).
Genomic context (GRCh38, chr19:50,329,075, plus strand): 5'-GGCGCCGGCTGCTGCTTGCTGGCCCCCTGGCGCCCGCGGAAGGACGAGACGCAGACTGAG[C>A]TCAGCATTGGACGGGGGGCGGGGCGGGAGGGGCGGGGACGCAGGGGCGGGGACACGGGGG-3'
Protein context (NP_004968.2, residues 1-13): ML[Ser3Ile]SVCVSSFRGR